The following is an entry in ClinVar:

ClinVar aggregate classification (germline): Uncertain significance (1 of 4 stars; one submission).

Conditions:
FGF3-related disorder. Also called: FGF3-related condition.

Submission:

PreventionGenetics, part of Exact Sciences
Classification: Uncertain significance for FGF3-related condition. Last evaluated: 2025-11-30. Review status: criteria provided, single submitter. Criteria: ACMG Guidelines, 2015. Collection method: clinical testing. Allele origin: germline.
Comment: The FGF3 c.626G>A variant is predicted to result in the amino acid substitution p.Arg209Gln. To our knowledge, this variant has not been reported in the literature. This variant is reported in 0.015% of alleles in individuals of Latino descent in gnomAD. At this time, the clinical significance of this variant is uncertain due to the absence of conclusive functional and genetic evidence.

NM_005247.4(FGF3):c.626G>A (p.Arg209Gln)

Gene: FGF3 (fibroblast growth factor 3; minus strand). Cytogenetic location: 11q13.3.
Variant type: single nucleotide variant.
Coding change: c.626G>A on transcript NM_005247.4 (MANE Select); coding-DNA position 626, G replaced by A.
Protein change: p.Arg209Gln; replaces arginine 209 with glutamine.
Molecular consequence: missense variant.
Genome position (GRCh38, 1-based): chr11:69,810,399, C>T on the plus strand (G>A on the coding strand, the complement: FGF3 is on the minus strand). VCF-style: chr11-69810399-C-T. GRCh37 (hg19) VCF-style: chr11-69625167-C-T.
Other names: short protein forms R209Q.
Identifiers: ClinVar variation 4981412 (VCV004981412.1).